The following is an entry in ClinVar:

NM_000722.4(CACNA2D1):c.2430A>G (p.Ile810Met)

Gene: CACNA2D1 (calcium voltage-gated channel auxiliary subunit alpha2delta 1; minus strand). Cytogenetic location: 7q21.11.
Variant type: single nucleotide variant.
Coding change: c.2430A>G on transcript NM_000722.4 (MANE Select); coding-DNA position 2430, A replaced by G.
Protein change: p.Ile810Met; replaces isoleucine 810 with methionine.
Molecular consequence: missense variant.
Genome position (GRCh38, 1-based): chr7:81,967,629, T>C on the plus strand (A>G on the coding strand, the complement: CACNA2D1 is on the minus strand). VCF-style: chr7-81967629-T-C. GRCh37 (hg19) VCF-style: chr7-81596945-T-C.
Other names: c.2466A>G, p.Ile822Met (NM_001366867.1); short protein forms I810M, I822M.
Identifiers: ClinVar variation 3484086 (VCV003484086.1).

ClinVar aggregate classification (germline): Uncertain significance (1 of 4 stars; one submission).

Conditions:
Cardiovascular phenotype. Identifiers: MedGen CN230736.

Submission:

Ambry Genetics
Classification: Uncertain significance for Cardiovascular phenotype. Last evaluated: 2024-09-17. Review status: criteria provided, single submitter. Criteria: Ambry Variant Classification Scheme 2023. Collection method: clinical testing. Allele origin: germline.
Comment: The p.I810M variant (also known as c.2430A>G), located in coding exon 30 of the CACNA2D1 gene, results from an A to G substitution at nucleotide position 2430. The isoleucine at codon 810 is replaced by methionine, an amino acid with highly similar properties. This amino acid position is conserved. In addition, this alteration is predicted to be tolerated by in silico analysis. Based on the available evidence, the clinical significance of this variant remains unclear.